The following is an entry in ClinVar:

ClinVar aggregate classification (germline): Conflicting classifications of pathogenicity. Review status: criteria provided, conflicting classifications (1 of 4 stars). 4 submissions from 4 submitters: Uncertain significance (1); Likely benign (2). 1 of the submissions does not count toward it. Last evaluated 2026-01-28.

Conditions:
Deficiency of alpha-mannosidase (MANSA). Also called: Mannosidosis, alpha-, types I and II; LYSOSOMAL ALPHA-D-MANNOSIDASE DEFICIENCY; Alpha-Mannosidosis. Identifiers: Orphanet 61, MedGen C0024748, MONDO:0009561, OMIM 248500.
MAN2B1-related disorder. Also called: MAN2B1-related condition.

Allele frequency attached by ClinVar (database versions not stated): ESP Exome Variant Server 0.00015; gnomAD 0.00018 and 0.00032; TOPMed 0.00020; ExAC 0.00054; gnomAD exomes 0.00058; 1000 Genomes Project 30x 0.00297; 1000 Genomes Project 0.00319.

Submissions (4):

Labcorp Genetics (formerly Invitae), Labcorp
Classification: Likely benign for Deficiency of alpha-mannosidase. Last evaluated: 2026-01-28. Review status: criteria provided, single submitter. Criteria: Invitae Variant Classification Sherloc (09022015). Collection method: clinical testing. Allele origin: germline.

PreventionGenetics, part of Exact Sciences
Classification: Likely benign for MAN2B1-related condition. Last evaluated: 2025-07-02. Review status: criteria provided, single submitter. Criteria: ACMG Guidelines, 2015. Collection method: clinical testing. Allele origin: germline.
Comment: This variant is classified as likely benign based on ACMG/AMP sequence variant interpretation guidelines (Richards et al. 2015 PMID: 25741868, with internal and published modifications).

Blueprint Genetics
Classification: Uncertain significance. Last evaluated: 2024-11-26. Review status: criteria provided, single submitter. Criteria: ACMG Guidelines, 2015. Collection method: clinical testing. Allele origin: germline.

Natera, Inc.
Classification: Benign for Alpha-mannosidosis. Last evaluated: 2020-06-16. Review status: no assertion criteria provided. Collection method: clinical testing. Allele origin: germline. Not counted in ClinVar's aggregate classification.

NM_000528.4(MAN2B1):c.2404A>G (p.Ser802Gly)

Gene: MAN2B1 (mannosidase alpha class 2B member 1; minus strand). Cytogenetic location: 19p13.13.
Variant type: single nucleotide variant.
Coding change: c.2404A>G on transcript NM_000528.4 (MANE Select); coding-DNA position 2404, A replaced by G.
Protein change: p.Ser802Gly; replaces serine 802 with glycine.
Molecular consequence: missense variant.
Genome position (GRCh38, 1-based): chr19:12,649,168, T>C on the plus strand (A>G on the coding strand, the complement: MAN2B1 is on the minus strand). VCF-style: chr19-12649168-T-C. GRCh37 (hg19) VCF-style: chr19-12759982-T-C.
Other names: c.2401A>G, p.Ser801Gly (NM_001173498.2); short protein forms S802G, S801G.
Identifiers: ClinVar variation 728425 (VCV000728425.14), dbSNP rs141391488, ClinGen allele CA9226042.